The following is an entry in ClinVar:

ClinVar aggregate classification (germline): Benign. Review status: criteria provided, multiple submitters, no conflicts (2 of 4 stars). 2 submissions from 2 submitters: Benign (2). Last evaluated 2018-06-14.

Allele frequency attached by ClinVar (database versions not stated): TOPMed 0.11183; gnomAD 0.11222; 1000 Genomes Project 0.11661; 1000 Genomes Project 30x 0.11711.
gnomAD v4.1: 16,330 of 152,210 alleles (11%); highest among the groups gnomAD compares: African/African-American, 20%; 1,179 homozygotes.

Submissions (2):

GeneDx
Classification: Benign. Last evaluated: 2018-06-14. Review status: criteria provided, single submitter. Criteria: GeneDx Variant Classification (06012015). Collection method: clinical testing. Allele origin: germline. Affected: yes.
Comment: This variant is considered likely benign or benign based on one or more of the following criteria: it is a conservative change, it occurs at a poorly conserved position in the protein, it is predicted to be benign by multiple in silico algorithms, and/or has population frequency not consistent with disease.

Breakthrough Genomics
Classification: Benign. Review status: criteria provided, single submitter. Criteria: ACMG Guidelines, 2015. Collection method: not provided. Allele origin: germline. Inheritance: Autosomal dominant inheritance. Affected: yes.

NM_000093.5(COL5A1):c.2485-183T>A

Gene: COL5A1 (collagen type V alpha 1 chain; plus strand). Cytogenetic location: 9q34.3.
Variant type: single nucleotide variant.
Coding change: c.2485-183T>A on transcript NM_000093.5 (MANE Select); 183 bases into the intron before coding-DNA position 2485, T replaced by A.
Molecular consequence: intron variant.
Genome position (GRCh38, 1-based): chr9:134,784,806, T>A. VCF-style: chr9-134784806-T-A. GRCh37 (hg19) VCF-style: chr9-137676652-T-A.
Other names: c.2485-183T>A (NM_001278074.1).
Identifiers: ClinVar variation 674556 (VCV000674556.2), dbSNP rs7865167, ClinGen allele CA201104996.